The following is an entry in ClinVar:

NM_001099922.3(ALG13):c.461del (p.Thr153_Ser154insTer)

Gene: ALG13 (ALG13 UDP-N-acetylglucosaminyltransferase subunit; plus strand). Cytogenetic location: Xq23.
Variant type: Deletion.
Coding change: c.461del on transcript NM_001099922.3 (MANE Select); coding-DNA position 461, one base deleted (C; older notation c.461delC).
Protein change: p.Thr153_Ser154insTer.
Molecular consequence: nonsense. On other transcripts: non-coding transcript variant (1).
Genome position (GRCh38, 1-based): chrX:111,708,104, C deleted. VCF-style (leftmost placement, unchanged base first): chrX-111708103-TC-T. GRCh37 (hg19) VCF-style: chrX-110951331-TC-T.
Other names: c.149del, p.Thr49_Ser50insTer (NM_001257230.2, NM_001257234.2, NM_001257237.2 and 1 more transcripts); c.227del, p.Thr75_Ser76insTer (NM_001257231.2); c.461del, p.Thr153_Ser154insTer (NM_001324292.2).
Identifiers: ClinVar variation 954415 (VCV000954415.10), dbSNP rs964823190, ClinGen allele CA334443156.
Genomic context (GRCh38, chrX:111,708,103, plus strand): 5'-GGGCAAGCCAAGTCCATTGCTTCTGCTCCTGGGAAGTGCCAAGATTCTGCAGCGCTGACT[TC>T]AACTGCCTTTTCAGGCCTAGACTTTGGGCTGCTTTCCGGATACCTGCATAAGCAAGCCCT-3'

ClinVar aggregate classification (germline): Uncertain significance. Review status: criteria provided, multiple submitters, no conflicts (2 of 4 stars). 3 submissions from 3 submitters: Uncertain significance (3). Last evaluated 2025-11-29.

Conditions:
Developmental and epileptic encephalopathy, 36 (DEE36). Also called: Congenital disorder of glycosylation, type Is; Epileptic encephalopathy, early infantile, 36; ALG13-CDG. Identifiers: Orphanet 324422, MedGen C4317295, MONDO:0010472, OMIM 300884.

Allele frequency attached by ClinVar (database versions not stated): gnomAD exomes 0.00001; TOPMed 0.00001.

Submissions (3):

GeneDx
Classification: Uncertain significance. Last evaluated: 2025-11-29. Review status: criteria provided, single submitter. Criteria: GeneDx Variant Classification Process June 2021. Collection method: clinical testing. Allele origin: germline.
Comment: Not observed at significant frequency in large population cohorts (gnomAD); Nonsense variant predicted to result in protein truncation or nonsense mediated decay in a gene or region of a gene for which loss of function is not a well-established mechanism of disease; Has not been previously published as pathogenic or benign to our knowledge

Labcorp Genetics (formerly Invitae), Labcorp
Classification: Uncertain significance for Developmental and epileptic encephalopathy, 36. Last evaluated: 2024-07-03. Review status: criteria provided, single submitter. Criteria: Invitae Variant Classification Sherloc (09022015). Collection method: clinical testing. Allele origin: germline.
Comment: This sequence change creates a premature translational stop signal (p.Ser154*) in the ALG13 gene. It is expected to result in an absent or disrupted protein product. However, the current clinical and genetic evidence is not sufficient to establish whether loss-of-function variants in ALG13 cause disease. This variant is not present in population databases (gnomAD no frequency). This variant has not been reported in the literature in individuals affected with ALG13-related conditions. ClinVar contains an entry for this variant (Variation ID: 954415). Algorithms developed to predict the effect of sequence changes on RNA splicing suggest that this variant may disrupt the consensus splice site. In summary, the available evidence is currently insufficient to determine the role of this variant in disease. Therefore, it has been classified as a Variant of Uncertain Significance.

Fulgent Genetics
Classification: Uncertain significance for Developmental and epileptic encephalopathy, 36. Last evaluated: 2022-01-03. Review status: criteria provided, single submitter. Criteria: ACMG Guidelines, 2015. Collection method: clinical testing. Allele origin: unknown.